The following is an entry in ClinVar:

NM_020207.7(ERCC6L2):c.2012C>T (p.Ser671Phe)

Gene: ERCC6L2 (ERCC excision repair 6 like 2; plus strand). Cytogenetic location: 9q22.32.
Variant type: single nucleotide variant.
Coding change: c.2012C>T on transcript NM_020207.7 (MANE Select); coding-DNA position 2012, C replaced by T.
Protein change: p.Ser671Phe; replaces serine 671 with phenylalanine.
Molecular consequence: missense variant. On other transcripts: non-coding transcript variant (1).
Genome position (GRCh38, 1-based): chr9:95,966,626, C>T. VCF-style: chr9-95966626-C-T. GRCh37 (hg19) VCF-style: chr9-98728908-C-T.
Other names: c.2012C>T, p.Ser671Phe (NM_001010895.4, NM_001375291.1, NM_001375292.1 and 2 more transcripts); short protein forms S671F.
Identifiers: ClinVar variation 3509986 (VCV003509986.1).

ClinVar aggregate classification (germline): Uncertain significance (1 of 4 stars; one submission).

Conditions:
Inborn genetic diseases. Identifiers: MedGen C0950123, MeSH D030342.

gnomAD v4.1: 1 of 1,546,636 alleles (0.000065%); highest among the groups gnomAD compares: Admixed American, 0.0017%; no homozygotes.

Submission:

Ambry Genetics
Classification: Uncertain significance for Inborn genetic diseases. Last evaluated: 2024-11-25. Review status: criteria provided, single submitter. Criteria: Ambry Variant Classification Scheme 2023. Collection method: clinical testing. Allele origin: germline.
Comment: The p.S671F variant (also known as c.2012C>T), located in coding exon 14 of the ERCC6L2 gene, results from a C to T substitution at nucleotide position 2012. The serine at codon 671 is replaced by phenylalanine, an amino acid with highly dissimilar properties. This amino acid position is conserved. In addition, this alteration is predicted to be deleterious by in silico analysis. Based on the available evidence, the clinical significance of this variant remains unclear.